The following is an entry in ClinVar:

ClinVar aggregate classification (germline): Conflicting classifications of pathogenicity. Review status: criteria provided, conflicting classifications (1 of 4 stars). 7 submissions from 7 submitters: Uncertain significance (5); Likely benign (2). Last evaluated 2026-08-25.

Conditions:
Autosomal recessive limb-girdle muscular dystrophy type 2J (LGMDR10). Also called: Limb-girdle muscular dystrophy, type 2J; MUSCULAR DYSTROPHY, LIMB-GIRDLE, AUTOSOMAL RECESSIVE 10. Identifiers: Orphanet 140922, MedGen C1837342, MONDO:0012127, OMIM 608807.
Dilated cardiomyopathy 1G (CMD1G). Identifiers: Orphanet 154, MedGen C1858763, MONDO:0011400, OMIM 604145.
TTN-related disorder. Also called: TTN-related condition; TTN-related disease; TTN-related disorders.
Cardiovascular phenotype. Identifiers: MedGen CN230736.
Hypertrophic cardiomyopathy 9. Also called: Familial hypertrophic cardiomyopathy 9. Identifiers: MedGen C1861065, MONDO:0013412, OMIM 613765.
Myopathy, myofibrillar, 9, with early respiratory failure (MFM9). Also called: Hereditary myopathy with early respiratory failure; MYOPATHY, PROXIMAL, WITH EARLY RESPIRATORY MUSCLE INVOLVEMENT; EDSTROM MYOPATHY; Myopathy, distal, with early respiratory failure, autosomal dominant. Identifiers: Orphanet 178464, Orphanet 34521, MedGen C1863599, MONDO:0011362, OMIM 603689.
Tibial muscular dystrophy (TMD). Also called: Udd Distal Myopathy – Tibial Muscular Dystrophy; UDD MYOPATHY; Tibial muscular dystrophy, tardive. Identifiers: Orphanet 609, MedGen C1838244, MONDO:0010870, OMIM 600334.
Early-onset myopathy with fatal cardiomyopathy (CMYO5). Also called: Salih Myopathy; CONGENITAL MYOPATHY 5 WITH CARDIOMYOPATHY. Identifiers: Orphanet 289377, MedGen C2673677, MONDO:0012714, OMIM 611705. Disease mechanism: loss of function.

Allele frequency attached by ClinVar (database versions not stated): ExAC 0.00002; gnomAD exomes 0.00002; gnomAD 0.00004 and 0.00005; TOPMed 0.00009; ESP Exome Variant Server 0.00016.
gnomAD v4.1: 34 of 1,613,626 alleles (0.0021%); highest among the groups gnomAD compares: African/African-American, 0.029%; no homozygotes.

Submissions (7):

PreventionGenetics, part of Exact Sciences
Classification: Uncertain significance for TTN-related condition. Last evaluated: 2026-08-25. Review status: criteria provided, single submitter. Criteria: ACMG Guidelines, 2015. Collection method: clinical testing. Allele origin: germline.
Comment: The TTN c.88513C>T variant is predicted to result in the amino acid substitution p.Arg29505Cys. To our knowledge, this variant has not been reported in the literature. This variant is reported in 0.021% of alleles in individuals of African descent in gnomAD. At this time, the clinical significance of this variant is uncertain due to the absence of conclusive functional and genetic evidence.

Molecular Diagnostic Laboratory for Inherited Cardiovascular Disease, Montreal Heart Institute
Classification: Likely benign. Last evaluated: 2025-04-09. Review status: criteria provided, single submitter. Criteria: ACMG Guidelines, 2015. Collection method: clinical testing. Allele origin: germline. Affected: no.

Ambry Genetics
Classification: Uncertain significance for Cardiovascular phenotype. Last evaluated: 2019-05-01. Review status: criteria provided, single submitter. Criteria: Ambry Variant Classification Scheme 2023. Collection method: clinical testing. Allele origin: germline.
Comment: The p.R20440C variant (also known as c.61318C>T), located in coding exon 158 of the TTN gene, results from a C to T substitution at nucleotide position 61318. The arginine at codon 20440 is replaced by cysteine, an amino acid with highly dissimilar properties. This amino acid position is highly conserved in available vertebrate species. In addition, this alteration is predicted to be tolerated by in silico analysis. Since supporting evidence is limited at this time, the clinical significance of this alteration remains unclear.

Fulgent Genetics
Classification: Uncertain significance for Tibial muscular dystrophy; Myopathy, myofibrillar, 9, with early respiratory failure; Dilated cardiomyopathy 1G; Autosomal recessive limb-girdle muscular dystrophy type 2J; Early-onset myopathy with fatal cardiomyopathy; Hypertrophic cardiomyopathy 9. Last evaluated: 2018-10-31. Review status: criteria provided, single submitter. Criteria: ACMG Guidelines, 2015. Collection method: clinical testing. Allele origin: unknown.

GeneDx
Classification: Likely benign. Last evaluated: 2018-08-06. Review status: criteria provided, single submitter. Criteria: GeneDx Variant Classification Process June 2021. Collection method: clinical testing. Allele origin: germline. Affected: yes.

Eurofins Ntd Llc (ga)
Classification: Uncertain significance. Last evaluated: 2018-06-08. Review status: criteria provided, single submitter. Criteria: EGL ClinVar v180209 classification definitions. Collection method: clinical testing. Allele origin: germline. Observed: 1 variant allele, 1 heterozygote.

Labcorp Genetics (formerly Invitae), Labcorp
Classification: Uncertain significance for Dilated cardiomyopathy 1G; Autosomal recessive limb-girdle muscular dystrophy type 2J. Last evaluated: 2017-02-23. Review status: criteria provided, single submitter. Criteria: Invitae Variant Classification Sherloc (09022015). Collection method: clinical testing. Allele origin: germline.

NM_001267550.2(TTN):c.88513C>T (p.Arg29505Cys)

Genes: TTN-AS1 (TTN antisense RNA 1; plus strand), TTN (titin; minus strand). Cytogenetic location: 2q31.2.
Variant type: single nucleotide variant.
Coding change: c.88513C>T on transcript NM_001267550.2 (MANE Select); coding-DNA position 88513, C replaced by T.
Protein change: p.Arg29505Cys; replaces arginine 29505 with cysteine.
Molecular consequence: missense variant.
Genome position (GRCh38, 1-based): chr2:178,554,946, G>A on the plus strand (C>T on the coding strand, the complement: TTN is on the minus strand). VCF-style: chr2-178554946-G-A. GRCh37 (hg19) VCF-style: chr2-179419673-G-A.
Other names: c.83590C>T, p.Arg27864Cys (NM_001256850.1); c.61318C>T, p.Arg20440Cys (NM_003319.4); c.80809C>T, p.Arg26937Cys (NM_133378.4); c.61693C>T, p.Arg20565Cys (NM_133432.3); c.61894C>T, p.Arg20632Cys (NM_133437.4); short protein forms R29505C, R26937C, R20440C, R20632C, R20565C, R27864C.
Identifiers: ClinVar variation 467603 (VCV000467603.15), dbSNP rs372360369, ClinGen allele CA1988139.